The following is an entry in ClinVar:

ClinVar aggregate classification (germline): Uncertain significance (1 of 4 stars; one submission).

Conditions:
RASopathy. Also called: Noonan spectrum disorder; rasopathies. Identifiers: Orphanet 536391, MedGen C5555857, MONDO:0021060.

Submission:

Labcorp Genetics (formerly Invitae), Labcorp
Classification: Uncertain significance for RASopathy. Last evaluated: 2022-03-11. Review status: criteria provided, single submitter. Criteria: Invitae Variant Classification Sherloc (09022015). Collection method: clinical testing. Allele origin: germline.
Comment: In summary, the available evidence is currently insufficient to determine the role of this variant in disease. Therefore, it has been classified as a Variant of Uncertain Significance. Algorithms developed to predict the effect of missense changes on protein structure and function (SIFT, PolyPhen-2, Align-GVGD) all suggest that this variant is likely to be tolerated. This variant has not been reported in the literature in individuals affected with SOS1-related conditions. This variant is not present in population databases (gnomAD no frequency). This sequence change replaces serine, which is neutral and polar, with arginine, which is basic and polar, at codon 394 of the SOS1 protein (p.Ser394Arg).

NM_005633.4(SOS1):c.1180A>C (p.Ser394Arg)

Gene: SOS1 (SOS Ras/Rac guanine nucleotide exchange factor 1; minus strand). Cytogenetic location: 2p22.1.
Variant type: single nucleotide variant.
Coding change: c.1180A>C on transcript NM_005633.4 (MANE Select); coding-DNA position 1180, A replaced by C.
Protein change: p.Ser394Arg; replaces serine 394 with arginine.
Molecular consequence: missense variant.
Genome position (GRCh38, 1-based): chr2:39,024,032, T>G on the plus strand (A>C on the coding strand, the complement: SOS1 is on the minus strand). VCF-style: chr2-39024032-T-G. GRCh37 (hg19) VCF-style: chr2-39251173-T-G.
Other names: c.1159A>C, p.Ser387Arg (NM_001382394.1); c.1180A>C, p.Ser394Arg (NM_001382395.1); short protein forms S387R, S394R.
Identifiers: ClinVar variation 2108690 (VCV002108690.4), dbSNP rs2529042580, ClinGen allele CA346366783.